The following is an entry in ClinVar:

NM_001363711.2(DUOX2):c.567C>T (p.His189=)

Gene: DUOX2 (dual oxidase 2; minus strand). Cytogenetic location: 15q21.1.
Variant type: single nucleotide variant.
Coding change: c.567C>T on transcript NM_001363711.2 (MANE Select); coding-DNA position 567, C replaced by T.
Protein change: p.His189=; no amino-acid change (histidine 189 retained).
Molecular consequence: synonymous variant.
Genome position (GRCh38, 1-based): chr15:45,111,532, G>A on the plus strand (C>T on the coding strand, the complement: DUOX2 is on the minus strand). VCF-style: chr15-45111532-G-A. GRCh37 (hg19) VCF-style: chr15-45403730-G-A.
Other names: c.567C>T, p.His189= (NM_014080.5); c.-3074G>A (NM_207581.4).
Identifiers: ClinVar variation 316182 (VCV000316182.43), dbSNP rs2467829, ClinGen allele CA7538902.

ClinVar aggregate classification (germline): Conflicting classifications of pathogenicity. Review status: criteria provided, conflicting classifications (1 of 4 stars). 7 submissions from 7 submitters: Uncertain significance (1); Likely benign (4). 2 of the submissions do not count toward it. Last evaluated 2026-05-12.

Conditions:
Thyroid dyshormonogenesis 6 (TDH6). Also called: HYPOTHYROIDISM, CONGENITAL, DUE TO DYSHORMONOGENESIS, 6; Genetic transient congenital hypothyroidism; THYROID HORMONOGENESIS, GENETIC DEFECT IN, 6. Identifiers: Orphanet 226316, Orphanet 95716, MedGen C1846632, MONDO:0011792, OMIM 607200.

Allele frequency attached by ClinVar (database versions not stated): gnomAD exomes 0.00075 and 0.00099; gnomAD 0.00078; 1000 Genomes Project 30x 0.00094; ExAC 0.00189; 1000 Genomes Project 0.00319.
gnomAD v4.1: 1,170 of 1,548,166 alleles (0.076%); highest among the groups gnomAD compares: East Asian, 0.79%; 3 homozygotes.

Submissions (7):

Women's Health and Genetics/Laboratory Corporation of America, LabCorp
Classification: Likely benign. Last evaluated: 2026-05-12. Review status: criteria provided, single submitter. Criteria: LabCorp Variant Classification Summary - May 2015. Collection method: clinical testing. Allele origin: germline.

Blueprint Genetics
Classification: Likely benign. Last evaluated: 2024-11-26. Review status: criteria provided, single submitter. Criteria: ACMG Guidelines, 2015. Collection method: clinical testing. Allele origin: germline.

CeGaT Center for Human Genetics Tuebingen
Classification: Likely benign. Last evaluated: 2023-03-01. Review status: criteria provided, single submitter. Criteria: CeGaT Center For Human Genetics Tuebingen Variant Classification Criteria Version 2. Collection method: clinical testing. Allele origin: germline. Affected: yes. Observed: 1 variant allele.
Comment: DUOX2: BP4, BP7

Labcorp Genetics (formerly Invitae), Labcorp
Classification: Likely benign. Last evaluated: 2018-12-03. Review status: criteria provided, single submitter. Criteria: Invitae Variant Classification Sherloc (09022015). Collection method: clinical testing. Allele origin: germline.

Illumina Laboratory Services, Illumina
Classification: Uncertain significance for Thyroid dyshormonogenesis 6. Last evaluated: 2018-01-12. Review status: criteria provided, single submitter. Criteria: ICSL Variant Classification Criteria 13 December 2019. Collection method: clinical testing. Allele origin: germline.

Clinical Genetics DNA and cytogenetics Diagnostics Lab, Erasmus MC, Erasmus Medical Center
Classification: Likely benign. Review status: no assertion criteria provided. Collection method: clinical testing. Allele origin: germline. Affected: yes. Study: VKGL Data-share Consensus. Not counted in ClinVar's aggregate classification.

Clinical Genetics, Academic Medical Center
Classification: Benign. Review status: no assertion criteria provided. Collection method: clinical testing. Allele origin: germline. Affected: yes. Study: VKGL Data-share Consensus. Not counted in ClinVar's aggregate classification.

Literature cited by the submitters: PubMed 21900383 (cited by Women's Health and Genetics/Laboratory Corporation of America, LabCorp).